The following is an entry in ClinVar:

ClinVar aggregate classification (germline): Conflicting classifications of pathogenicity. Review status: criteria provided, conflicting classifications (1 of 4 stars). 2 submissions from 2 submitters: Uncertain significance (1); Benign (1). Last evaluated 2025-06-29.

Conditions:
Amyotrophic lateral sclerosis type 4 (ALS4). Also called: AMYOTROPHIC LATERAL SCLEROSIS 4, JUVENILE; NEURONOPATHY, DISTAL HEREDITARY MOTOR, WITH PYRAMIDAL FEATURES. Identifiers: Orphanet 357043, MedGen C1865409, MONDO:0011223, OMIM 602433.
Spinocerebellar ataxia, autosomal recessive, with axonal neuropathy 2 (SCAN2). Also called: Ataxia-ocular apraxia-2; ATAXIA-OCULOMOTOR APRAXIA 2; Ataxia with Oculomotor Apraxia; Ataxia with Oculomotor Apraxia Type 2. Identifiers: Orphanet 64753, MedGen C1853761, MONDO:0018996, OMIM 606002.

gnomAD v4.1: 6 of 1,613,988 alleles (0.00037%); highest among the groups gnomAD compares: South Asian, 0.0044%; no homozygotes.

Submissions (2):

Labcorp Genetics (formerly Invitae), Labcorp
Classification: Benign for Amyotrophic lateral sclerosis type 4; Spinocerebellar ataxia, autosomal recessive, with axonal neuropathy 2. Last evaluated: 2025-06-29. Review status: criteria provided, single submitter. Criteria: Invitae Variant Classification Sherloc (09022015). Collection method: clinical testing. Allele origin: germline.

Neuberg Centre For Genomic Medicine, NCGM
Classification: Uncertain significance for Amyotrophic lateral sclerosis type 4. Last evaluated: 2024-02-01. Review status: criteria provided, single submitter. Criteria: ACMG Guidelines, 2015. Collection method: clinical testing. Allele origin: germline. Inheritance: Autosomal dominant inheritance.
Comment: The above variant has not been reported previously in affected individuals, to our knowledge. Additional functional evidence will be required to prove the pathogenicity of this variant conclusively. For these reasons, this variant has been classified as a Variant of Uncertain Significance (VUS).

NM_015046.7(SETX):c.3295G>A (p.Asp1099Asn)

Gene: SETX (senataxin; minus strand). Cytogenetic location: 9q34.13.
Variant type: single nucleotide variant.
Coding change: c.3295G>A on transcript NM_015046.7 (MANE Select); coding-DNA position 3295, G replaced by A.
Protein change: p.Asp1099Asn; replaces aspartic acid 1099 with asparagine.
Molecular consequence: missense variant.
Genome position (GRCh38, 1-based): chr9:132,328,303, C>T on the plus strand (G>A on the coding strand, the complement: SETX is on the minus strand). VCF-style: chr9-132328303-C-T. GRCh37 (hg19) VCF-style: chr9-135203690-C-T.
Other names: c.3295G>A, p.Asp1099Asn (NM_001351527.2, NM_001351528.2); short protein forms D1099N.
Identifiers: ClinVar variation 3760658 (VCV003760658.3).
Genomic context (GRCh38, chr9:132,328,303, plus strand): 5'-TTGTAGTATTGGCTATAGGAGCCAAACATTTTTTCTCACCATCTTGAACTGAATTATTAT[C>T]GTCTGGATGATCTTGCCAAACTGAAAACACTTCAGATGAACTTTCAAACTCAAAACACTG-3'
Protein context (NP_055861.3, residues 1089-1109): VFSVWQDHPD[Asp1099Asn]NNSVQDGEKK